The following is an entry in ClinVar:

ClinVar aggregate classification (germline): Likely pathogenic (1 of 4 stars; one submission).

Submission:

Mayo Clinic Laboratories, Mayo Clinic
Classification: Likely pathogenic. Last evaluated: 2024-10-08. Review status: criteria provided, single submitter. Criteria: ACMG Guidelines, 2015. Collection method: clinical testing. Allele origin: germline. Observed: 1 variant allele.
Comment: PM2_supporting, PVS1

Literature cited by the submitters: PubMed 35351432.

NM_003126.4(SPTA1):c.5935_5936del (p.Ser1979fs)

Gene: SPTA1 (spectrin alpha, erythrocytic 1; minus strand). Cytogenetic location: 1q23.1.
Variant type: Microsatellite.
Coding change: c.5935_5936del on transcript NM_003126.4 (MANE Select); coding-DNA positions 5935 to 5936, 2 bases deleted (AG; older notation c.5935_5936delAG).
Protein change: p.Ser1979fs; shifts the reading frame from serine 1979.
Molecular consequence: frameshift variant.
Genome position (GRCh38, 1-based): chr1:158,623,167-158,623,168, CT deleted on the plus strand (AG on the coding strand, the reverse complement: SPTA1 is on the minus strand); deleting any 2 consecutive bases within chr1:158,623,167-158,623,170 gives the same sequence; the c. name uses the placement nearest the transcript's 3' end. VCF-style (leftmost placement, unchanged base first): chr1-158623166-ACT-A. GRCh37 (hg19) VCF-style: chr1-158592956-ACT-A.
Other names: p.Ser1979Phefs*11; short protein forms S1979fs.
Identifiers: ClinVar variation 4541648 (VCV004541648.1).